The following is an entry in ClinVar:

NM_001369.3(DNAH5):c.710C>T (p.Pro237Leu)

Gene: DNAH5 (dynein axonemal heavy chain 5; minus strand). Cytogenetic location: 5p15.2.
Variant type: single nucleotide variant.
Coding change: c.710C>T on transcript NM_001369.3 (MANE Select); coding-DNA position 710, C replaced by T.
Protein change: p.Pro237Leu; replaces proline 237 with leucine.
Molecular consequence: missense variant.
Genome position (GRCh38, 1-based): chr5:13,920,568, G>A on the plus strand (C>T on the coding strand, the complement: DNAH5 is on the minus strand). VCF-style: chr5-13920568-G-A. GRCh37 (hg19) VCF-style: chr5-13920677-G-A.
Other names: short protein forms P237L.
Identifiers: ClinVar variation 647085 (VCV000647085.12), dbSNP rs757970855, ClinGen allele CA3205113.

ClinVar aggregate classification (germline): Conflicting classifications of pathogenicity. Review status: criteria provided, conflicting classifications (1 of 4 stars). 4 submissions from 4 submitters: Uncertain significance (2); Likely benign (1). 1 of the submissions does not count toward it. Last evaluated 2026-03-21.

Conditions:
Primary ciliary dyskinesia. Also called: Ciliary dyskinesia. Identifiers: Orphanet 244, MedGen C0008780, MONDO:0016575, HP:0012265.

Allele frequency attached by ClinVar (database versions not stated): ExAC 0.00001; gnomAD 0.00001 and 0.00002; TOPMed 0.00004; gnomAD exomes 0.00002 and 0.00007.
gnomAD v4.1: 107 of 1,613,992 alleles (0.0066%); highest among the groups gnomAD compares: Non-Finnish European, 0.0087%; no homozygotes.

Submissions (4):

Ambry Genetics
Classification: Uncertain significance for Primary ciliary dyskinesia. Last evaluated: 2026-03-21. Review status: criteria provided, single submitter. Criteria: Ambry Variant Classification Scheme 2023. Collection method: clinical testing. Allele origin: germline.
Comment: The p.P237L variant (also known as c.710C>T), located in coding exon 6 of the DNAH5 gene, results from a C to T substitution at nucleotide position 710. The proline at codon 237 is replaced by leucine, an amino acid with similar properties. This amino acid position is conserved. In addition, this alteration is predicted to be tolerated by in silico analysis. Based on the available evidence, the clinical significance of this variant remains unclear.

Labcorp Genetics (formerly Invitae), Labcorp
Classification: Likely benign for Primary ciliary dyskinesia. Last evaluated: 2023-09-27. Review status: criteria provided, single submitter. Criteria: Invitae Variant Classification Sherloc (09022015). Collection method: clinical testing. Allele origin: germline.

Blueprint Genetics
Classification: Uncertain significance. Last evaluated: 2022-10-06. Review status: criteria provided, single submitter. Criteria: ACMG Guidelines, 2015. Collection method: clinical testing. Allele origin: germline.

Natera, Inc.
Classification: Uncertain significance for Primary ciliary dyskinesia. Last evaluated: 2020-10-21. Review status: no assertion criteria provided. Collection method: clinical testing. Allele origin: germline. Not counted in ClinVar's aggregate classification.